The following is an entry in ClinVar:

ClinVar aggregate classification (germline): Likely benign. Review status: criteria provided, multiple submitters, no conflicts (2 of 4 stars). 5 submissions from 5 submitters: Likely benign (5). Last evaluated 2025-03-25.

Conditions:
Cardiovascular phenotype. Identifiers: MedGen CN230736.
Cardiomyopathy (CMYO). Also called: Cardiomyopathies. Identifiers: Orphanet 167848, MedGen C0878544, MONDO:0004994, HP:0001638. Inheritance: Various modes of inheritance.
Hypertrophic cardiomyopathy. Also called: HYPERTROPHIC MYOCARDIOPATHY. Identifiers: Orphanet 217569, MedGen C0007194, MeSH D002312, MONDO:0005045, HP:0001639.

Allele frequency attached by ClinVar (database versions not stated): gnomAD exomes below 0.00001; TOPMed below 0.00001.
gnomAD v4.1: 2 of 1,613,524 alleles (0.00012%); highest among the groups gnomAD compares: Non-Finnish European, 0.00017%; no homozygotes.

Submissions (5):

Labcorp Genetics (formerly Invitae), Labcorp
Classification: Likely benign for Hypertrophic cardiomyopathy. Last evaluated: 2025-03-25. Review status: criteria provided, single submitter. Criteria: Invitae Variant Classification Sherloc (09022015). Collection method: clinical testing. Allele origin: germline.

Women's Health and Genetics/Laboratory Corporation of America, LabCorp
Classification: Likely benign. Last evaluated: 2024-11-15. Review status: criteria provided, single submitter. Criteria: LabCorp Variant Classification Summary - May 2015. Collection method: clinical testing. Allele origin: germline.

All of Us Research Program, National Institutes of Health
Classification: Likely benign for Hypertrophic cardiomyopathy. Last evaluated: 2023-10-06. Review status: criteria provided, single submitter. Criteria: ACMG Guidelines, 2015. Collection method: clinical testing. Allele origin: germline. Inheritance: Autosomal dominant inheritance. Observed: 2 variant alleles, 2 heterozygotes.
Comment: This study involves interpretation of variants in research participants for the purpose of population health screening. Participant phenotype was not available at the time of variant classification. Additional details can be found in publication PMID: 35346344, PMCID: PMC8962531

Ambry Genetics
Classification: Likely benign for Cardiovascular phenotype. Last evaluated: 2020-01-10. Review status: criteria provided, single submitter. Criteria: Ambry Variant Classification Scheme 2023. Collection method: clinical testing. Allele origin: germline.

Color Diagnostics, LLC DBA Color Health
Classification: Likely benign for Cardiomyopathy. Last evaluated: 2018-10-17. Review status: criteria provided, single submitter. Criteria: ACMG Guidelines, 2015. Collection method: clinical testing. Allele origin: germline.

NM_000256.3(MYBPC3):c.3606T>C (p.Cys1202=)

Gene: MYBPC3 (myosin binding protein C3; minus strand). Cytogenetic location: 11p11.2.
Variant type: single nucleotide variant.
Coding change: c.3606T>C on transcript NM_000256.3 (MANE Select); coding-DNA position 3606, T replaced by C.
Protein change: p.Cys1202=; no amino-acid change (cysteine 1202 retained).
Molecular consequence: synonymous variant.
Genome position (GRCh38, 1-based): chr11:47,332,587, A>G on the plus strand (T>C on the coding strand, the complement: MYBPC3 is on the minus strand). VCF-style: chr11-47332587-A-G. GRCh37 (hg19) VCF-style: chr11-47354138-A-G.
Other names: c.3606T>C, p.Cys1202= (LRG_386t1).
Identifiers: ClinVar variation 629680 (VCV000629680.9), dbSNP rs1032233055, ClinGen allele CA221682038.